The following is an entry in ClinVar:

ClinVar aggregate classification (germline): Uncertain significance. Review status: criteria provided, multiple submitters, no conflicts (2 of 4 stars). 2 submissions from 2 submitters: Uncertain significance (2). Last evaluated 2025-12-24.

Conditions:
Cardiovascular phenotype. Identifiers: MedGen CN230736.
Progressive familial heart block type IB (PFHB1B). Identifiers: Orphanet 871, MedGen C1970298, MONDO:0011474, OMIM 604559.

Allele frequency attached by ClinVar (database versions not stated): ExAC 0.00001; gnomAD exomes 0.00001 and 0.00002; TOPMed 0.00001.
gnomAD v4.1: 31 of 1,613,824 alleles (0.0019%); highest among the groups gnomAD compares: Non-Finnish European, 0.0026%; no homozygotes.

Submissions (2):

Labcorp Genetics (formerly Invitae), Labcorp
Classification: Uncertain significance for Progressive familial heart block type IB. Last evaluated: 2025-12-24. Review status: criteria provided, single submitter. Criteria: Invitae Variant Classification Sherloc (09022015). Collection method: clinical testing. Allele origin: germline.
Comment: This sequence change replaces alanine, which is neutral and non-polar, with glycine, which is neutral and non-polar, at codon 390 of the TRPM4 protein (p.Ala390Gly). This variant is present in population databases (rs760531721, gnomAD 0.002%). This variant has not been reported in the literature in individuals affected with TRPM4-related conditions. ClinVar contains an entry for this variant (Variation ID: 1424399). An algorithm developed to predict the effect of missense changes on protein structure and function (PolyPhen-2) suggests that this variant is likely to be disruptive. In summary, the available evidence is currently insufficient to determine the role of this variant in disease. Therefore, it has been classified as a Variant of Uncertain Significance.

Ambry Genetics
Classification: Uncertain significance for Cardiovascular phenotype. Last evaluated: 2025-07-15. Review status: criteria provided, single submitter. Criteria: Ambry Variant Classification Scheme 2023. Collection method: clinical testing. Allele origin: germline.
Comment: The p.A390G variant (also known as c.1169C>G), located in coding exon 10 of the TRPM4 gene, results from a C to G substitution at nucleotide position 1169. The alanine at codon 390 is replaced by glycine, an amino acid with similar properties. This amino acid position is conserved. In addition, this alteration is predicted to be tolerated by in silico analysis. Based on the available evidence, the clinical significance of this variant remains unclear.

NM_017636.4(TRPM4):c.1169C>G (p.Ala390Gly)

Gene: TRPM4 (transient receptor potential cation channel subfamily M member 4; plus strand). Cytogenetic location: 19q13.33.
Variant type: single nucleotide variant.
Coding change: c.1169C>G on transcript NM_017636.4 (MANE Select); coding-DNA position 1169, C replaced by G.
Protein change: p.Ala390Gly; replaces alanine 390 with glycine.
Molecular consequence: missense variant. On other transcripts: 5 prime UTR variant (1), intron variant (1).
Genome position (GRCh38, 1-based): chr19:49,181,367, C>G. VCF-style: chr19-49181367-C-G. GRCh37 (hg19) VCF-style: chr19-49684624-C-G.
Other names: c.1169C>G, p.Ala390Gly (NM_001195227.2); c.824C>G, p.Ala275Gly (NM_001321281.2); c.-385C>G (NM_001321282.2); c.647C>G, p.Ala216Gly (NM_001321283.2); c.202-1211C>G (NM_001321285.2); c.1169C>G (NM_017636.3); short protein forms A275G, A216G, A390G.
Identifiers: ClinVar variation 1424399 (VCV001424399.7), dbSNP rs760531721, ClinGen allele CA9569114.